The following is an entry in ClinVar:

ClinVar aggregate classification (germline): Uncertain significance (1 of 4 stars; one submission).

Conditions:
Chédiak-Higashi syndrome (CHS). Also called: Chediak-Higashi Syndrome. Identifiers: Orphanet 167, MedGen C0007965, MONDO:0008963, OMIM 214500.

Allele frequency attached by ClinVar (database versions not stated): gnomAD exomes below 0.00001; TOPMed below 0.00001.
gnomAD v4.1: 5 of 1,613,528 alleles (0.00031%); highest among the groups gnomAD compares: Non-Finnish European, 0.00034%; no homozygotes.

Submission:

Labcorp Genetics (formerly Invitae), Labcorp
Classification: Uncertain significance for Chédiak-Higashi syndrome. Last evaluated: 2022-02-19. Review status: criteria provided, single submitter. Criteria: Invitae Variant Classification Sherloc (09022015). Collection method: clinical testing. Allele origin: germline.
Comment: This sequence change replaces methionine, which is neutral and non-polar, with isoleucine, which is neutral and non-polar, at codon 2096 of the LYST protein (p.Met2096Ile). This variant is not present in population databases (gnomAD no frequency). This variant has not been reported in the literature in individuals affected with LYST-related conditions. Algorithms developed to predict the effect of missense changes on protein structure and function output the following: SIFT: "Tolerated"; PolyPhen-2: "Benign"; Align-GVGD: "Class C0". The isoleucine amino acid residue is found in multiple mammalian species, which suggests that this missense change does not adversely affect protein function. In summary, the available evidence is currently insufficient to determine the role of this variant in disease. Therefore, it has been classified as a Variant of Uncertain Significance.

NM_000081.4(LYST):c.6288G>A (p.Met2096Ile)

Gene: LYST (lysosomal trafficking regulator; minus strand). Cytogenetic location: 1q42.3.
Variant type: single nucleotide variant.
Coding change: c.6288G>A on transcript NM_000081.4 (MANE Select); coding-DNA position 6288, G replaced by A.
Protein change: p.Met2096Ile; replaces methionine 2096 with isoleucine.
Molecular consequence: missense variant.
Genome position (GRCh38, 1-based): chr1:235,759,565, C>T on the plus strand (G>A on the coding strand, the complement: LYST is on the minus strand). VCF-style: chr1-235759565-C-T. GRCh37 (hg19) VCF-style: chr1-235922865-C-T.
Other names: c.6288G>A, p.Met2096Ile (NM_001301365.1); short protein forms M2096I.
Identifiers: ClinVar variation 2181041 (VCV002181041.1), dbSNP rs1667379888, ClinGen allele CA344943054.